The following is an entry in ClinVar:

NM_001393769.1(MED12L):c.4112A>G (p.Gln1371Arg)

Genes: MED12L (mediator complex subunit 12L; plus strand), P2RY12 (purinergic receptor P2Y12; minus strand). Cytogenetic location: 3q25.1.
Variant type: single nucleotide variant.
Coding change: c.4112A>G on transcript NM_001393769.1 (MANE Select); coding-DNA position 4112, A replaced by G.
Protein change: p.Gln1371Arg; replaces glutamine 1371 with arginine.
Molecular consequence: missense variant. On other transcripts: intron variant (1).
Genome position (GRCh38, 1-based): chr3:151,376,858, A>G. VCF-style: chr3-151376858-A-G. GRCh37 (hg19) VCF-style: chr3-151094646-A-G.
Other names: c.4007A>G, p.Gln1336Arg (NM_053002.6); c.-180+7834T>C (NM_022788.5); short protein forms Q1336R, Q1371R.
Identifiers: ClinVar variation 4538761 (VCV004538761.1).

ClinVar aggregate classification (germline): Uncertain significance (1 of 4 stars; one submission).

gnomAD v4.1: 1 of 1,614,080 alleles (0.000062%); no homozygotes.

Submission:

GeneDx
Classification: Uncertain significance. Last evaluated: 2025-06-18. Review status: criteria provided, single submitter. Criteria: GeneDx Variant Classification Process June 2021. Collection method: clinical testing. Allele origin: germline. Affected: yes.
Comment: Not observed at significant frequency in large population cohorts (gnomAD); In silico analysis supports that this missense variant has a deleterious effect on protein structure/function; Has not been previously published as pathogenic or benign to our knowledge